The following is an entry in ClinVar:

ClinVar aggregate classification (germline): Pathogenic (1 of 4 stars; one submission).

Conditions:
Lysinuric protein intolerance (LPI). Identifiers: Orphanet 470, MedGen C0268647, MONDO:0009109, OMIM 222700.

Submission:

Labcorp Genetics (formerly Invitae), Labcorp
Classification: Pathogenic for Lysinuric protein intolerance. Last evaluated: 2022-10-18. Review status: criteria provided, single submitter. Criteria: Invitae Variant Classification Sherloc (09022015). Collection method: clinical testing. Allele origin: germline.
Comment: This variant is not present in population databases (gnomAD no frequency). This variant has not been reported in the literature in individuals affected with SLC7A7-related conditions. For these reasons, this variant has been classified as Pathogenic. This sequence change creates a premature translational stop signal (p.Cys427*) in the SLC7A7 gene. It is expected to result in an absent or disrupted protein product. Loss-of-function variants in SLC7A7 are known to be pathogenic (PMID: 10631139, 17764084).

Literature cited by the submitters: PubMed 10631139; PubMed 17764084.

NM_003982.4(SLC7A7):c.1281C>A (p.Cys427Ter)

Gene: SLC7A7 (solute carrier family 7 member 7; minus strand). Cytogenetic location: 14q11.2.
Variant type: single nucleotide variant.
Coding change: c.1281C>A on transcript NM_003982.4 (MANE Select); coding-DNA position 1281, C replaced by A.
Protein change: p.Cys427Ter; replaces cysteine 427 with a stop codon.
Molecular consequence: nonsense.
Genome position (GRCh38, 1-based): chr14:22,774,081, G>T on the plus strand (C>A on the coding strand, the complement: SLC7A7 is on the minus strand). VCF-style: chr14-22774081-G-T. GRCh37 (hg19) VCF-style: chr14-23243290-G-T.
Other names: c.1281C>A, p.Cys427Ter (NM_001126105.3, NM_001126106.4); short protein forms C427*.
Identifiers: ClinVar variation 2035963 (VCV002035963.4), dbSNP rs763739193, ClinGen allele CA388921364.
Genomic context (GRCh38, chr14:22,774,081, plus strand): 5'-AATGCCGATGAGGGAGTTGATAGTATCACTGTAAAGTGGAACAGCCACCAGGAAGATGGT[G>T]CAGAGGCAGAAGACAATCGGGAAGAAAACGCTGAGCTAAGGGCACAGGAAACATAACTGG-3'